The following is an entry in ClinVar:

NM_000153.4(GALC):c.1496C>T (p.Pro499Leu)

Gene: GALC (galactosylceramidase; minus strand). Cytogenetic location: 14q31.3.
Variant type: single nucleotide variant.
Coding change: c.1496C>T on transcript NM_000153.4 (MANE Select); coding-DNA position 1496, C replaced by T.
Protein change: p.Pro499Leu; replaces proline 499 with leucine.
Molecular consequence: missense variant.
Genome position (GRCh38, 1-based): chr14:87,945,727, G>A on the plus strand (C>T on the coding strand, the complement: GALC is on the minus strand). VCF-style: chr14-87945727-G-A. GRCh37 (hg19) VCF-style: chr14-88412071-G-A.
Other names: c.1427C>T, p.Pro476Leu (NM_001201401.2); c.1418C>T, p.Pro473Leu (NM_001201402.2); c.1496C>T (NM_000153.3); short protein forms P499L, P473L, P476L.
Identifiers: ClinVar variation 1360066 (VCV001360066.7), dbSNP rs2139951685, ClinGen allele CA390746331.

ClinVar aggregate classification (germline): Uncertain significance. Review status: criteria provided, single submitter (1 of 4 stars). 2 submissions from 2 submitters: Uncertain significance (1). 1 of the submissions does not count toward it. Last evaluated 2022-08-23.

Conditions:
Galactosylceramide beta-galactosidase deficiency. Also called: GALACTOCEREBROSIDASE DEFICIENCY; GALC DEFICIENCY; GLOBOID CELL LEUKOENCEPHALOPATHY; Krabbe Disease; Leukodystrophy, Globoid Cell. Identifiers: Orphanet 487, MedGen C0023521, MONDO:0009499, OMIM 245200.

Submissions (2):

Labcorp Genetics (formerly Invitae), Labcorp
Classification: Uncertain significance for Galactosylceramide beta-galactosidase deficiency. Last evaluated: 2022-08-23. Review status: criteria provided, single submitter. Criteria: Invitae Variant Classification Sherloc (09022015). Collection method: clinical testing. Allele origin: germline.
Comment: In summary, the available evidence is currently insufficient to determine the role of this variant in disease. Therefore, it has been classified as a Variant of Uncertain Significance. Algorithms developed to predict the effect of sequence changes on RNA splicing suggest that this variant may create or strengthen a splice site. Advanced modeling of protein sequence and biophysical properties (such as structural, functional, and spatial information, amino acid conservation, physicochemical variation, residue mobility, and thermodynamic stability) performed at Invitae indicates that this missense variant is not expected to disrupt GALC protein function. ClinVar contains an entry for this variant (Variation ID: 1360066). This variant has not been reported in the literature in individuals affected with GALC-related conditions. This variant is not present in population databases (gnomAD no frequency). This sequence change replaces proline, which is neutral and non-polar, with leucine, which is neutral and non-polar, at codon 499 of the GALC protein (p.Pro499Leu).

Natera, Inc.
Classification: Uncertain significance for Galactosylceramide beta-galactosidase deficiency. Last evaluated: 2025-01-21. Review status: no assertion criteria provided. Collection method: clinical testing. Allele origin: germline. Not counted in ClinVar's aggregate classification.